The following is an entry in ClinVar:

ClinVar aggregate classification (germline): Uncertain significance (1 of 4 stars; one submission).

Conditions:
Primary ciliary dyskinesia. Also called: Ciliary dyskinesia. Identifiers: Orphanet 244, MedGen C0008780, MONDO:0016575, HP:0012265.

Submission:

Labcorp Genetics (formerly Invitae), Labcorp
Classification: Uncertain significance for Primary ciliary dyskinesia. Last evaluated: 2024-08-14. Review status: criteria provided, single submitter. Criteria: Invitae Variant Classification Sherloc (09022015). Collection method: clinical testing. Allele origin: germline.
Comment: This variant, c.853_855del, results in the deletion of 1 amino acid(s) of the RSPH1 protein (p.Glu285del), but otherwise preserves the integrity of the reading frame. This variant is present in population databases (rs562822292, gnomAD 0.02%). This variant has not been reported in the literature in individuals affected with RSPH1-related conditions. Experimental studies and prediction algorithms are not available or were not evaluated, and the functional significance of this variant is currently unknown. In summary, the available evidence is currently insufficient to determine the role of this variant in disease. Therefore, it has been classified as a Variant of Uncertain Significance.

NM_080860.4(RSPH1):c.850GAG[1] (p.Glu285del)

Gene: RSPH1 (radial spoke head component 1; minus strand). Cytogenetic location: 21q22.3.
Variant type: Microsatellite.
Coding change: c.850GAG[1] on transcript NM_080860.4 (MANE Select); one copy of the 3-base unit GAG starting at c.850; the reference has two copies in a row; one copy, 3 bases deleted.
Protein change: p.Glu285del; deletes glutamic acid 285.
Molecular consequence: inframe deletion.
Genome position (GRCh38, 1-based): chr21:42,475,920-42,475,922, CTC deleted on the plus strand (GAG on the coding strand, the reverse complement: RSPH1 is on the minus strand); deleting any 3 consecutive bases within chr21:42,475,920-42,475,927 gives the same sequence; the position shown is the placement nearest the transcript's 3' end. VCF-style (leftmost placement, unchanged base first): chr21-42475919-ACTC-A. GRCh37 (hg19) VCF-style: chr21-43896029-ACTC-A.
Other names: c.736GAG[1], p.Glu247del (NM_001286506.2); short protein forms E247del, E285del.
Identifiers: ClinVar variation 1052504 (VCV001052504.7), dbSNP rs562822292, ClinGen allele CA10043729.